The following is an entry in ClinVar:

ClinVar aggregate classification (germline): Uncertain significance (0 of 4 stars; one submission).

Allele frequency attached by ClinVar (database versions not stated): gnomAD exomes below 0.00001; TOPMed below 0.00001.
gnomAD v4.1: 2 of 1,613,098 alleles (0.00012%); highest among the groups gnomAD compares: Non-Finnish European, 0.00017%; no homozygotes.

Submission:

Department of Pathology and Laboratory Medicine, Sinai Health System
Classification: Uncertain significance. Review status: no assertion criteria provided. Collection method: clinical testing. Allele origin: unknown. Affected: yes. Study: The Canadian Open Genetics Repository (COGR).
Comment: The GLI2 p.Ser1120Pro variant was not identified in the literature nor was it identified in ClinVar. The variant was identified in dbSNP (ID: rs1246994636) but was not identified in the following control databases: the 1000 Genomes Project, the NHLBI GO Exome Sequencing Project, or the Genome Aggregation Database (March 6, 2019, v2.1.1). The p.Ser1120 residue is not conserved in mammals and computational analyses (PolyPhen-2, SIFT, AlignGVGD, BLOSUM, MutationTaster) do not suggest a high likelihood of impact to the protein; however, this information is not predictive enough to rule out pathogenicity. The variant occurs outside of the splicing consensus sequence and in silico or computational prediction software programs (SpliceSiteFinder, MaxEntScan, NNSPLICE, GeneSplicer) do not predict a difference in splicing. In summary, based on the above information the clinical significance of this variant cannot be determined with certainty at this time. This variant is classified as a variant of uncertain significance.

NM_001374353.1(GLI2):c.3307T>C (p.Ser1103Pro)

Gene: GLI2 (GLI family zinc finger 2; plus strand). Cytogenetic location: 2q14.2.
Variant type: single nucleotide variant.
Coding change: c.3307T>C on transcript NM_001374353.1 (MANE Select); coding-DNA position 3307, T replaced by C.
Protein change: p.Ser1103Pro; replaces serine 1103 with proline.
Molecular consequence: missense variant.
Genome position (GRCh38, 1-based): chr2:120,989,272, T>C. VCF-style: chr2-120989272-T-C. GRCh37 (hg19) VCF-style: chr2-121746848-T-C.
Other names: c.3358T>C, p.Ser1120Pro (NM_001371271.1, NM_005270.5); c.2932T>C, p.Ser978Pro (NM_001374354.1); short protein forms S1103P, S1120P, S978P.
Identifiers: ClinVar variation 1049381 (VCV001049381.1), dbSNP rs1246994636, ClinGen allele CA348173538.